The following is an entry in ClinVar:

ClinVar aggregate classification (germline): Likely benign. Review status: criteria provided, single submitter (1 of 4 stars). 2 submissions from 2 submitters: Likely benign (1). 1 of the submissions does not count toward it. Last evaluated 2022-02-11.

Conditions:
Inborn genetic diseases. Identifiers: MedGen C0950123, MeSH D030342.
KDM6B-related disorder. Also called: KDM6B-related condition.

Allele frequency attached by ClinVar (database versions not stated): ESP Exome Variant Server 0.00008; 1000 Genomes Project 30x 0.00031; 1000 Genomes Project 0.00040.
gnomAD v4.1: 1,002 of 1,600,564 alleles (0.063%); highest among the groups gnomAD compares: Non-Finnish European, 0.076%; no homozygotes.

Submissions (2):

Ambry Genetics
Classification: Likely benign for Inborn genetic diseases. Last evaluated: 2022-02-11. Review status: criteria provided, single submitter. Criteria: Ambry Variant Classification Scheme 2023. Collection method: clinical testing. Allele origin: germline.

PreventionGenetics, part of Exact Sciences
Classification: Likely benign for KDM6B-related condition. Last evaluated: 2022-04-13. Review status: no assertion criteria provided. Collection method: clinical testing. Allele origin: germline. Not counted in ClinVar's aggregate classification.
Comment: This variant is classified as likely benign based on ACMG/AMP sequence variant interpretation guidelines (Richards et al. 2015 PMID: 25741868, with internal and published modifications).

NM_001348716.2(KDM6B):c.2638C>G (p.Arg880Gly)

Gene: KDM6B (lysine demethylase 6B; plus strand). Cytogenetic location: 17p13.1.
Variant type: single nucleotide variant.
Coding change: c.2638C>G on transcript NM_001348716.2 (MANE Select); coding-DNA position 2638, C replaced by G.
Protein change: p.Arg880Gly; replaces arginine 880 with glycine.
Molecular consequence: missense variant.
Genome position (GRCh38, 1-based): chr17:7,848,926, C>G. VCF-style: chr17-7848926-C-G. GRCh37 (hg19) VCF-style: chr17-7752244-C-G.
Other names: c.2638C>G, p.Arg880Gly (NM_001080424.2); short protein forms R880G.
Identifiers: ClinVar variation 2225704 (VCV002225704.4), dbSNP rs373157695, ClinGen allele CA8360960.
Genomic context (GRCh38, chr17:7,848,926, plus strand): 5'-TCCCCACAGCCCTCTGCTTCCTCGTCATCTCAGTTCTCTACCTCAGGCGGGCCCTGGGCC[C>G]GGGAGCGCAGGGCGGGCGAAGAGCCAGTCCCGGGCCCCATGACCCCCACCCAACCGCCCC-3'
Protein context (NP_001335645.1, residues 870-890): QFSTSGGPWA[Arg880Gly]ERRAGEEPVP